The following is an entry in ClinVar:

ClinVar aggregate classification (germline): Uncertain significance (1 of 4 stars; one submission).

Conditions:
Hereditary cancer-predisposing syndrome. Also called: Neoplastic Syndromes, Hereditary; Tumor predisposition; Hereditary Cancer Syndrome; Hereditary neoplastic syndrome. Identifiers: Orphanet 140162, MedGen C0027672, MeSH D009386, MONDO:0015356.

Submission:

Ambry Genetics
Classification: Uncertain significance for Hereditary cancer-predisposing syndrome. Last evaluated: 2019-08-08. Review status: criteria provided, single submitter. Criteria: Ambry Variant Classification Scheme 2023. Collection method: clinical testing. Allele origin: germline.
Comment: The p.S735T variant (also known as c.2204G>C), located in coding exon 13 of the DICER1 gene, results from a G to C substitution at nucleotide position 2204. The serine at codon 735 is replaced by threonine, an amino acid with similar properties. This amino acid position is well conserved in available vertebrate species. In addition, this alteration is predicted to be tolerated by in silico analysis. Since supporting evidence is limited at this time, the clinical significance of this alteration remains unclear.

NM_177438.3(DICER1):c.2204G>C (p.Ser735Thr)

Gene: DICER1 (dicer 1, ribonuclease III; minus strand). Cytogenetic location: 14q32.13.
Variant type: single nucleotide variant.
Coding change: c.2204G>C on transcript NM_177438.3 (MANE Select); coding-DNA position 2204, G replaced by C.
Protein change: p.Ser735Thr; replaces serine 735 with threonine.
Molecular consequence: missense variant.
Genome position (GRCh38, 1-based): chr14:95,111,369, C>G on the plus strand (G>C on the coding strand, the complement: DICER1 is on the minus strand). VCF-style: chr14-95111369-C-G. GRCh37 (hg19) VCF-style: chr14-95577706-C-G.
Other names: c.2204G>C, p.Ser735Thr (NM_001195573.1, NM_001271282.3, NM_001291628.2 and 1 more transcripts); short protein forms S735T.
Identifiers: ClinVar variation 820858 (VCV000820858.4), dbSNP rs1595391106, ClinGen allele CA390882616.